The following is an entry in ClinVar:

NM_017780.4(CHD7):c.4531A>G (p.Lys1511Glu)

Gene: CHD7 (chromodomain helicase DNA binding protein 7; plus strand). Cytogenetic location: 8q12.2.
Variant type: single nucleotide variant.
Coding change: c.4531A>G on transcript NM_017780.4 (MANE Select); coding-DNA position 4531, A replaced by G.
Protein change: p.Lys1511Glu; replaces lysine 1511 with glutamic acid.
Molecular consequence: missense variant. On other transcripts: intron variant (1).
Genome position (GRCh38, 1-based): chr8:60,838,253, A>G. VCF-style: chr8-60838253-A-G. GRCh37 (hg19) VCF-style: chr8-61750812-A-G.
Other names: c.1717-23976A>G (NM_001316690.1); short protein forms K1511E.
Identifiers: ClinVar variation 1741283 (VCV001741283.2), dbSNP rs2487916767, ClinGen allele CA371318438.

ClinVar aggregate classification (germline): Uncertain significance (1 of 4 stars; one submission).

Conditions:
Inborn genetic diseases. Identifiers: MedGen C0950123, MeSH D030342.

Submission:

Ambry Genetics
Classification: Uncertain significance for Inborn genetic diseases. Last evaluated: 2019-08-27. Review status: criteria provided, single submitter. Criteria: Ambry Variant Classification Scheme 2023. Collection method: clinical testing. Allele origin: germline.
Comment: The p.K1511E variant (also known as c.4531A>G), located in coding exon 18 of the CHD7 gene, results from an A to G substitution at nucleotide position 4531. The lysine at codon 1511 is replaced by glutamic acid, an amino acid with similar properties. This amino acid position is highly conserved in available vertebrate species. In addition, this alteration is predicted to be deleterious by in silico analysis. Since supporting evidence is limited at this time, the clinical significance of this alteration remains unclear.